The following is an entry in ClinVar:

NM_020937.4(FANCM):c.4568C>A (p.Ala1523Glu)

Gene: FANCM (FA complementation group M; plus strand). Cytogenetic location: 14q21.2.
Variant type: single nucleotide variant.
Coding change: c.4568C>A on transcript NM_020937.4 (MANE Select); coding-DNA position 4568, C replaced by A.
Protein change: p.Ala1523Glu; replaces alanine 1523 with glutamic acid.
Molecular consequence: missense variant.
Genome position (GRCh38, 1-based): chr14:45,185,269, C>A. VCF-style: chr14-45185269-C-A. GRCh37 (hg19) VCF-style: chr14-45654472-C-A.
Other names: c.4490C>A, p.Ala1497Glu (NM_001308133.2); short protein forms A1497E, A1523E.
Identifiers: ClinVar variation 2081761 (VCV002081761.5), dbSNP rs960743288, ClinGen allele CA259634556.

ClinVar aggregate classification (germline): Uncertain significance. Review status: criteria provided, multiple submitters, no conflicts (2 of 4 stars). 2 submissions from 2 submitters: Uncertain significance (2). Last evaluated 2025-03-20.

Conditions:
Fanconi anemia (FA). Also called: Fanconi's anemia. Identifiers: Orphanet 84, MedGen C0015625, MeSH D005199, MONDO:0019391.
Inborn genetic diseases. Identifiers: MedGen C0950123, MeSH D030342.

gnomAD v4.1: 6 of 1,602,474 alleles (0.00037%); highest among the groups gnomAD compares: African/African-American, 0.0067%; 1 homozygote.

Submissions (2):

Ambry Genetics
Classification: Uncertain significance for Inborn genetic diseases. Last evaluated: 2025-03-20. Review status: criteria provided, single submitter. Criteria: Ambry Variant Classification Scheme 2023. Collection method: clinical testing. Allele origin: germline.
Comment: The p.A1523E variant (also known as c.4568C>A), located in coding exon 18 of the FANCM gene, results from a C to A substitution at nucleotide position 4568. The alanine at codon 1523 is replaced by glutamic acid, an amino acid with dissimilar properties. This amino acid position is conserved. In addition, this alteration is predicted to be tolerated by in silico analysis. Based on the available evidence, the clinical significance of this variant remains unclear.

Labcorp Genetics (formerly Invitae), Labcorp
Classification: Uncertain significance for Fanconi anemia. Last evaluated: 2024-03-06. Review status: criteria provided, single submitter. Criteria: Invitae Variant Classification Sherloc (09022015). Collection method: clinical testing. Allele origin: germline.
Comment: This sequence change replaces alanine, which is neutral and non-polar, with glutamic acid, which is acidic and polar, at codon 1523 of the FANCM protein (p.Ala1523Glu). This variant is present in population databases (no rsID available, gnomAD 0.007%). This variant has not been reported in the literature in individuals affected with FANCM-related conditions. ClinVar contains an entry for this variant (Variation ID: 2081761). An algorithm developed to predict the effect of missense changes on protein structure and function (PolyPhen-2) suggests that this variant is likely to be disruptive. In summary, the available evidence is currently insufficient to determine the role of this variant in disease. Therefore, it has been classified as a Variant of Uncertain Significance.